The following is an entry in ClinVar:

NM_015512.5(DNAH1):c.5547C>A (p.Tyr1849Ter)

Gene: DNAH1 (dynein axonemal heavy chain 1; plus strand). Cytogenetic location: 3p21.1.
Variant type: single nucleotide variant.
Coding change: c.5547C>A on transcript NM_015512.5 (MANE Select); coding-DNA position 5547, C replaced by A.
Protein change: p.Tyr1849Ter; replaces tyrosine 1849 with a stop codon.
Molecular consequence: nonsense.
Genome position (GRCh38, 1-based): chr3:52,366,485, C>A. VCF-style: chr3-52366485-C-A. GRCh37 (hg19) VCF-style: chr3-52400501-C-A.
Other names: short protein forms Y1849*.
Identifiers: ClinVar variation 1905119 (VCV001905119.5), dbSNP rs780451014, ClinGen allele CA353147012.

ClinVar aggregate classification (germline): Pathogenic (1 of 4 stars; one submission).

Conditions:
Spermatogenic failure 18. Identifiers: MedGen C4539783, MONDO:0054615, OMIM 617576.
Ciliary dyskinesia, primary, 37 (CILD37). Also called: CILIARY DYSKINESIA, PRIMARY, 37, WITH OR WITHOUT SITUS INVERSUS. Identifiers: MedGen C4539798, MONDO:0033204, OMIM 617577.

Submission:

Labcorp Genetics (formerly Invitae), Labcorp
Classification: Pathogenic for Ciliary dyskinesia, primary, 37; Spermatogenic failure 18. Last evaluated: 2022-02-16. Review status: criteria provided, single submitter. Criteria: Invitae Variant Classification Sherloc (09022015). Collection method: clinical testing. Allele origin: germline.
Comment: This sequence change creates a premature translational stop signal (p.Tyr1849*) in the DNAH1 gene. It is expected to result in an absent or disrupted protein product. Loss-of-function variants in DNAH1 are known to be pathogenic (PMID: 27573432, 27798045). For these reasons, this variant has been classified as Pathogenic. This variant has not been reported in the literature in individuals affected with DNAH1-related conditions. This variant is not present in population databases (gnomAD no frequency).

Literature cited by the submitters: PubMed 27573432; PubMed 27798045.